The following is an entry in ClinVar:

ClinVar aggregate classification (germline): Likely pathogenic. Review status: criteria provided, multiple submitters, no conflicts (2 of 4 stars). 4 submissions from 4 submitters: Likely pathogenic (4). Last evaluated 2024-07-29.

Conditions:
Peroxisome biogenesis disorder 5A (Zellweger) (PBD5A). Identifiers: Orphanet 912, MedGen C3553940, MONDO:0013932, OMIM 614866.
Peroxisome biogenesis disorder 5B (PBD5B). Identifiers: Orphanet 44, MedGen C3542026, MONDO:0013933, OMIM 614867.
Peroxisome biogenesis disorder. Identifiers: Orphanet 79189, MedGen C1832200, MONDO:0019234. Disease mechanism: loss of function.
Zellweger spectrum disorders (ZS). Also called: Zellweger Spectrum Disorder; Zellweger Spectrum; Zellweger Spectrum Disorder (ZSD); Zellweger syndrome. Identifiers: Orphanet 912, MedGen C0043459, MONDO:0019609.

Allele frequency attached by ClinVar (database versions not stated): ExAC 0.00001; gnomAD exomes 0.00001.

Submissions (4):

Natera, Inc.
Classification: Likely pathogenic for Zellweger syndrome. Last evaluated: 2024-07-29. Review status: criteria provided, single submitter. Criteria: Natera Variant Classification Schema (03/2026). Collection method: clinical testing. Allele origin: germline.
Comment: The c.352delG variant in PEX2 is a frameshift variant predicted to shift the reading frame beginning at codon 118 and leads to a stop codon 12 codons downstream. This variant is expected to result in nonsense mediated decay, truncation, or a dysfunctional protein product. This variant is rare in the general population with a frequency below the threshold expected for the associated phenotype(s). Given the available evidence, this variant is classified as Likely Pathogenic.

Fulgent Genetics
Classification: Likely pathogenic for Peroxisome biogenesis disorder 5A (Zellweger); Peroxisome biogenesis disorder 5B. Last evaluated: 2024-06-17. Review status: criteria provided, single submitter. Criteria: ACMG Guidelines, 2015. Collection method: clinical testing. Allele origin: germline.

Baylor Genetics
Classification: Likely pathogenic for Peroxisome biogenesis disorder 5A (Zellweger). Last evaluated: 2023-09-19. Review status: criteria provided, single submitter. Criteria: ACMG Guidelines, 2015. Collection method: clinical testing. Allele origin: unknown.

Women's Health and Genetics/Laboratory Corporation of America, LabCorp
Classification: Likely pathogenic for Peroxisome biogenesis disorder. Last evaluated: 2022-11-21. Review status: criteria provided, single submitter. Criteria: LabCorp Variant Classification Summary - May 2015. Collection method: clinical testing. Allele origin: germline.
Comment: Variant summary: PEX2 c.352delG (p.Glu118AsnfsX12) results in a premature termination codon, predicted to cause a truncation of the encoded protein or absence of the protein due to nonsense mediated decay, which are commonly known mechanisms for disease. Truncations downstream of this position have been reported in association with Zellweger syndrome/Peroxisomal biogenesis disorder in HGMD. The variant allele was found at a frequency of 8e-06 in 251424 control chromosomes. To our knowledge, no occurrence of c.352delG in individuals affected with Zellweger Syndrome and no experimental evidence demonstrating its impact on protein function have been reported. No clinical diagnostic laboratories have submitted clinical-significance assessments for this variant to ClinVar after 2014. Based on the evidence outlined above, the variant was classified as likely pathogenic.

NM_000318.3(PEX2):c.352del (p.Glu118fs)

Gene: PEX2 (peroxisomal biogenesis factor 2; minus strand). Cytogenetic location: 8q21.13.
Variant type: Deletion.
Coding change: c.352del on transcript NM_000318.3 (MANE Select); coding-DNA position 352, one base deleted (G; older notation c.352delG).
Protein change: p.Glu118fs; shifts the reading frame from glutamic acid 118.
Molecular consequence: frameshift variant.
Genome position (GRCh38, 1-based): chr8:76,983,827, C deleted on the plus strand (G on the coding strand, the reverse complement: PEX2 is on the minus strand). VCF-style (leftmost placement, unchanged base first): chr8-76983826-TC-T. GRCh37 (hg19) VCF-style: chr8-77896062-TC-T.
Other names: c.352del (NM_000318.2); c.352delG (NM_000318.2); c.352del, p.Glu118fs (NM_001079867.2, NM_001172086.2, NM_001172087.2); short protein forms E118fs.
Identifiers: ClinVar variation 1804674 (VCV001804674.4), dbSNP rs755950154, ClinGen allele CA4788724.